The following is an entry in ClinVar:

ClinVar aggregate classification (germline): Uncertain significance (1 of 4 stars; one submission).

Allele frequency attached by ClinVar (database versions not stated): gnomAD 0.00003; TOPMed 0.00003.
gnomAD v4.1: 6 of 1,605,634 alleles (0.00037%); highest among the groups gnomAD compares: Admixed American, 0.0084%; no homozygotes.

Submission:

Labcorp Genetics (formerly Invitae), Labcorp
Classification: Uncertain significance. Last evaluated: 2022-07-11. Review status: criteria provided, single submitter. Criteria: Invitae Variant Classification Sherloc (09022015). Collection method: clinical testing. Allele origin: germline.
Comment: In summary, the available evidence is currently insufficient to determine the role of this variant in disease. Therefore, it has been classified as a Variant of Uncertain Significance. This sequence change replaces glutamic acid, which is acidic and polar, with lysine, which is basic and polar, at codon 169 of the PIGB protein (p.Glu169Lys). This variant is present in population databases (no rsID available, gnomAD 0.0009%). This variant has not been reported in the literature in individuals affected with PIGB-related conditions. Algorithms developed to predict the effect of missense changes on protein structure and function output the following: SIFT: "Tolerated"; PolyPhen-2: "Benign"; Align-GVGD: "Class C0". The lysine amino acid residue is found in multiple mammalian species, which suggests that this missense change does not adversely affect protein function.

NM_004855.5(PIGB):c.505G>A (p.Glu169Lys)

Gene: PIGB (phosphatidylinositol glycan anchor biosynthesis class B; plus strand). Cytogenetic location: 15q21.3.
Variant type: single nucleotide variant.
Coding change: c.505G>A on transcript NM_004855.5 (MANE Select); coding-DNA position 505, G replaced by A.
Protein change: p.Glu169Lys; replaces glutamic acid 169 with lysine.
Molecular consequence: missense variant.
Genome position (GRCh38, 1-based): chr15:55,327,618, G>A. VCF-style: chr15-55327618-G-A. GRCh37 (hg19) VCF-style: chr15-55619816-G-A.
Other names: short protein forms E169K.
Identifiers: ClinVar variation 1956609 (VCV001956609.5), dbSNP rs1253288924, ClinGen allele CA392541950.